The following is an entry in ClinVar:

NM_014915.3(ANKRD26):c.4860T>G (p.Asp1620Glu)

Gene: ANKRD26 (ankyrin repeat domain containing 26; minus strand). Cytogenetic location: 10p12.1.
Variant type: single nucleotide variant.
Coding change: c.4860T>G on transcript NM_014915.3 (MANE Select); coding-DNA position 4860, T replaced by G.
Protein change: p.Asp1620Glu; replaces aspartic acid 1620 with glutamic acid.
Molecular consequence: missense variant.
Genome position (GRCh38, 1-based): chr10:27,012,975, A>C on the plus strand (T>G on the coding strand, the complement: ANKRD26 is on the minus strand). VCF-style: chr10-27012975-A-C. GRCh37 (hg19) VCF-style: chr10-27301904-A-C.
Other names: c.4857T>G, p.Asp1619Glu (NM_001256053.2); short protein forms D1620E, D1619E.
Identifiers: ClinVar variation 3868616 (VCV003868616.1).
Genomic context (GRCh38, chr10:27,012,975, plus strand): 5'-AGCCCGTGGATTTGAGGTAGAGATCACTAAGTTTTCTCTTGGAATAAGTTTTCTGTTGAG[A>C]TCTAAACTATTATTAAGATTTCCCACACAAGGTGGCTCCATGACTGGCCTGGTAGTGAGA-3'
Protein context (NP_055730.2, residues 1610-1630): PCVGNLNNSL[Asp1620Glu]LNRKLIPREN

ClinVar aggregate classification (germline): Uncertain significance (1 of 4 stars; one submission).

Conditions:
Inborn genetic diseases. Identifiers: MedGen C0950123, MeSH D030342.

Submission:

Ambry Genetics
Classification: Uncertain significance for Inborn genetic diseases. Last evaluated: 2025-01-10. Review status: criteria provided, single submitter. Criteria: Ambry Variant Classification Scheme 2023. Collection method: clinical testing. Allele origin: germline.
Comment: The p.D1620E variant (also known as c.4860T>G), located in coding exon 32 of the ANKRD26 gene, results from a T to G substitution at nucleotide position 4860. The aspartic acid at codon 1620 is replaced by glutamic acid, an amino acid with highly similar properties. This amino acid position is conserved. In addition, this alteration is predicted to be tolerated by in silico analysis. Based on the available evidence, the clinical significance of this variant remains unclear.